The following is an entry in ClinVar:

ClinVar aggregate classification (germline): Uncertain significance (1 of 4 stars; one submission).

Allele frequency attached by ClinVar (database versions not stated): gnomAD exomes below 0.00001 and 0.00001; gnomAD 0.00002; TOPMed 0.00002; ESP Exome Variant Server 0.00008.
gnomAD v4.1: 6 of 1,611,298 alleles (0.00037%); highest among the groups gnomAD compares: African/African-American, 0.0027%; no homozygotes.

Submission:

Labcorp Genetics (formerly Invitae), Labcorp
Classification: Uncertain significance. Last evaluated: 2022-08-31. Review status: criteria provided, single submitter. Criteria: Invitae Variant Classification Sherloc (09022015). Collection method: clinical testing. Allele origin: germline.
Comment: Variants that disrupt the consensus splice site are a relatively common cause of aberrant splicing (PMID: 17576681, 9536098). Algorithms developed to predict the effect of sequence changes on RNA splicing suggest that this variant is not likely to affect RNA splicing. In summary, the available evidence is currently insufficient to determine the role of this variant in disease. Therefore, it has been classified as a Variant of Uncertain Significance. ClinVar contains an entry for this variant (Variation ID: 1462879). This sequence change falls in intron 9 of the RUSC2 gene. It does not directly change the encoded amino acid sequence of the RUSC2 protein. It affects a nucleotide within the consensus splice site. This variant is present in population databases (rs371986669, gnomAD 0.008%). This variant has not been reported in the literature in individuals affected with RUSC2-related conditions.

Literature cited by the submitters: PubMed 17576681; PubMed 9536098.

NM_014806.5(RUSC2):c.3388+5T>C

Gene: RUSC2 (RUN and SH3 domain containing 2; plus strand). Cytogenetic location: 9p13.3.
Variant type: single nucleotide variant.
Coding change: c.3388+5T>C on transcript NM_014806.5 (MANE Select); 5 bases into the intron after coding-DNA position 3388, T replaced by C.
Molecular consequence: intron variant.
Genome position (GRCh38, 1-based): chr9:35,559,277, T>C. VCF-style: chr9-35559277-T-C. GRCh37 (hg19) VCF-style: chr9-35559274-T-C.
Other names: c.754+5T>C (NM_001330740.2); c.3388+5T>C (NM_001135999.2).
Identifiers: ClinVar variation 1462879 (VCV001462879.6), dbSNP rs371986669, ClinGen allele CA192757689.